The following is an entry in ClinVar:

ClinVar aggregate classification (germline): Uncertain significance (1 of 4 stars; one submission).

Submission:

Ambry Genetics
Classification: Uncertain significance. Last evaluated: 2025-03-01. Review status: criteria provided, single submitter. Criteria: Ambry Variant Classification Scheme 2023. Collection method: clinical testing. Allele origin: germline.
Comment: The c.2000C>T (p.A667V) alteration is located in exon (coding exon ) of the HIPK2 gene. This alteration results from a C to T substitution at nucleotide position 2000, causing the alanine (A) at amino acid position 667 to be replaced by a valine (V). Based on insufficient or conflicting evidence, the clinical significance of this alteration remains unclear.

NM_022740.5(HIPK2):c.2000C>T (p.Ala667Val)

Gene: HIPK2 (homeodomain interacting protein kinase 2; minus strand). Cytogenetic location: 7q34.
Variant type: single nucleotide variant.
Coding change: c.2000C>T on transcript NM_022740.5 (MANE Select); coding-DNA position 2000, C replaced by T.
Protein change: p.Ala667Val; replaces alanine 667 with valine.
Molecular consequence: missense variant.
Genome position (GRCh38, 1-based): chr7:139,613,314, G>A on the plus strand (C>T on the coding strand, the complement: HIPK2 is on the minus strand). VCF-style: chr7-139613314-G-A. GRCh37 (hg19) VCF-style: chr7-139298060-G-A.
Other names: c.1919C>T, p.Ala640Val (NM_001113239.3); short protein forms A640V, A667V.
Identifiers: ClinVar variation 3857881 (VCV003857881.1).